The following is an entry in ClinVar:

NM_001378454.1(ALMS1):c.7846C>T (p.Arg2616Trp)

Gene: ALMS1 (ALMS1 centrosome and basal body associated protein; plus strand). Cytogenetic location: 2p13.1.
Variant type: single nucleotide variant.
Coding change: c.7846C>T on transcript NM_001378454.1 (MANE Select); coding-DNA position 7846, C replaced by T.
Protein change: p.Arg2616Trp; replaces arginine 2616 with tryptophan.
Molecular consequence: missense variant.
Genome position (GRCh38, 1-based): chr2:73,489,805, C>T. VCF-style: chr2-73489805-C-T. GRCh37 (hg19) VCF-style: chr2-73716932-C-T.
Other names: c.7849C>T, p.Arg2617Trp (NM_015120.4); short protein forms R2616W, R2617W.
Identifiers: ClinVar variation 866741 (VCV000866741.17), dbSNP rs145383239, ClinGen allele CA1714358.
Genomic context (GRCh38, chr2:73,489,805, plus strand): 5'-CAACTAGATAGACACCCTTGTGCTTTCAGATCTGCTGGACCCTCAGAAATGACCAGAGGA[C>T]GGCAGAACCCATCATCATGCAGAGCCAAGCATGTCAACCTTTCTGCATCCTTAGACCAGA-3'
Protein context (NP_001365383.1, residues 2606-2626): SAGPSEMTRG[Arg2616Trp]QNPSSCRAKH

ClinVar aggregate classification (germline): Uncertain significance. Review status: criteria provided, multiple submitters, no conflicts (2 of 4 stars). 8 submissions from 8 submitters: Uncertain significance (7). 1 of the submissions does not count toward it. Last evaluated 2026-05-26.

Conditions:
Alstrom syndrome (ALMS). Identifiers: Orphanet 64, MedGen C0268425, MONDO:0008763, OMIM 203800.
Cardiovascular phenotype. Identifiers: MedGen CN230736.

Allele frequency attached by ClinVar (database versions not stated): gnomAD 0.00006 and 0.00007; TOPMed 0.00007; gnomAD exomes 0.00010; ExAC 0.00014; 1000 Genomes Project 30x 0.00016; 1000 Genomes Project 0.00020.
gnomAD v4.1: 93 of 1,614,074 alleles (0.0058%); highest among the groups gnomAD compares: African/African-American, 0.015%; no homozygotes.

Submissions (8):

Women's Health and Genetics/Laboratory Corporation of America, LabCorp
Classification: Uncertain significance. Last evaluated: 2026-05-26. Review status: criteria provided, single submitter. Criteria: LabCorp Variant Classification Summary - May 2015. Collection method: clinical testing. Allele origin: germline.
Comment: Variant summary: ALMS1 c.7843C>T (p.Arg2615Trp) results in a non-conservative amino acid change in the encoded protein sequence. Algorithms developed to predict the effect of missense changes on protein structure and function are either unavailable or do not agree on the potential impact of this missense change. The variant allele was found at a frequency of 9.6e-05 in 249530 control chromosomes. This frequency is not significantly higher than estimated for disease-causing variants in ALMS1, allowing no conclusion about variant significance. To our knowledge, no occurrence of c.7843C>T in individuals affected with ALMS1-related conditions and no experimental evidence demonstrating its impact on protein function have been reported. ClinVar contains an entry for this variant (Variation ID: 866741). Based on the evidence outlined above, the variant was classified as uncertain significance.

CeGaT Center for Human Genetics Tuebingen
Classification: Uncertain significance. Last evaluated: 2026-04-01. Review status: criteria provided, single submitter. Criteria: CeGaT Center For Human Genetics Tuebingen Variant Classification Criteria Version 2. Collection method: clinical testing. Allele origin: germline. Affected: yes. Observed: 1 variant allele.
Comment: ALMS1: PM2, BP4

Ambry Genetics
Classification: Uncertain significance for Cardiovascular phenotype. Last evaluated: 2025-06-05. Review status: criteria provided, single submitter. Criteria: Ambry Variant Classification Scheme 2023. Collection method: clinical testing. Allele origin: germline.
Comment: The p.R2617W variant (also known as c.7849C>T), located in coding exon 10 of the ALMS1 gene, results from a C to T substitution at nucleotide position 7849. The arginine at codon 2617 is replaced by tryptophan, an amino acid with dissimilar properties. This amino acid position is poorly conserved in available vertebrate species. In addition, the in silico prediction for this alteration is inconclusive. Based on the available evidence, the clinical significance of this variant remains unclear.

GeneDx
Classification: Uncertain significance. Last evaluated: 2024-11-07. Review status: criteria provided, single submitter. Criteria: GeneDx Variant Classification Process June 2021. Collection method: clinical testing. Allele origin: germline. Affected: yes.
Comment: Not observed at significant frequency in large population cohorts (gnomAD); In silico analysis indicates that this missense variant does not alter protein structure/function; Has not been previously published as pathogenic or benign to our knowledge

Blueprint Genetics
Classification: Uncertain significance. Last evaluated: 2023-07-05. Review status: criteria provided, single submitter. Criteria: ACMG Guidelines, 2015. Collection method: clinical testing. Allele origin: germline.

Labcorp Genetics (formerly Invitae), Labcorp
Classification: Uncertain significance for Alstrom syndrome. Last evaluated: 2022-09-01. Review status: criteria provided, single submitter. Criteria: Invitae Variant Classification Sherloc (09022015). Collection method: clinical testing. Allele origin: germline.
Comment: This sequence change replaces arginine, which is basic and polar, with tryptophan, which is neutral and slightly polar, at codon 2617 of the ALMS1 protein (p.Arg2617Trp). This variant is present in population databases (rs145383239, gnomAD 0.01%). This variant has not been reported in the literature in individuals affected with ALMS1-related conditions. ClinVar contains an entry for this variant (Variation ID: 866741). Experimental studies and prediction algorithms are not available or were not evaluated, and the functional significance of this variant is currently unknown. In summary, the available evidence is currently insufficient to determine the role of this variant in disease. Therefore, it has been classified as a Variant of Uncertain Significance.

Fulgent Genetics
Classification: Uncertain significance for Alstrom syndrome. Last evaluated: 2021-12-07. Review status: criteria provided, single submitter. Criteria: ACMG Guidelines, 2015. Collection method: clinical testing. Allele origin: unknown.

Natera, Inc.
Classification: Uncertain significance for Alstrom syndrome. Last evaluated: 2021-08-11. Review status: no assertion criteria provided. Collection method: clinical testing. Allele origin: germline. Not counted in ClinVar's aggregate classification.